The following is an entry in ClinVar:

ClinVar aggregate classification (germline): Uncertain significance (1 of 4 stars; one submission).

Conditions:
Singleton-Merten syndrome 1 (SGMRT1). Also called: Widened medullary cavities of bone, aortic calcification, abnormal dentition, and muscular weakness; Syndrome of widened medullary cavities of the metacarpals and phalanges, aortic calcification and abnormal dentition. Identifiers: Orphanet 85191, MedGen C4225427, MONDO:0024535, OMIM 182250.
Aicardi-Goutieres syndrome 7 (AGS7). Identifiers: Orphanet 51, MedGen C3888244, MONDO:0014367, OMIM 615846.

Allele frequency attached by ClinVar (database versions not stated): gnomAD 0.00001; TOPMed 0.00001; ExAC 0.00002.
gnomAD v4.1: 12 of 1,612,670 alleles (0.00074%); highest among the groups gnomAD compares: East Asian, 0.011%; no homozygotes.

Submission:

Labcorp Genetics (formerly Invitae), Labcorp
Classification: Uncertain significance for Aicardi-Goutieres syndrome 7; Singleton-Merten syndrome 1. Last evaluated: 2024-06-12. Review status: criteria provided, single submitter. Criteria: Invitae Variant Classification Sherloc (09022015). Collection method: clinical testing. Allele origin: germline.
Comment: This sequence change replaces histidine, which is basic and polar, with arginine, which is basic and polar, at codon 859 of the IFIH1 protein (p.His859Arg). This variant is present in population databases (rs779528906, gnomAD 0.03%). This variant has not been reported in the literature in individuals affected with IFIH1-related conditions. ClinVar contains an entry for this variant (Variation ID: 1910506). Advanced modeling of protein sequence and biophysical properties (such as structural, functional, and spatial information, amino acid conservation, physicochemical variation, residue mobility, and thermodynamic stability) has been performed at Invitae for this missense variant, however the output from this modeling did not meet the statistical confidence thresholds required to predict the impact of this variant on IFIH1 protein function. In summary, the available evidence is currently insufficient to determine the role of this variant in disease. Therefore, it has been classified as a Variant of Uncertain Significance.

NM_022168.4(IFIH1):c.2576A>G (p.His859Arg)

Gene: IFIH1 (interferon induced with helicase C domain 1; minus strand). Cytogenetic location: 2q24.2.
Variant type: single nucleotide variant.
Coding change: c.2576A>G on transcript NM_022168.4 (MANE Select); coding-DNA position 2576, A replaced by G.
Protein change: p.His859Arg; replaces histidine 859 with arginine.
Molecular consequence: missense variant.
Genome position (GRCh38, 1-based): chr2:162,272,266, T>C on the plus strand (A>G on the coding strand, the complement: IFIH1 is on the minus strand). VCF-style: chr2-162272266-T-C. GRCh37 (hg19) VCF-style: chr2-163128776-T-C.
Other names: short protein forms H859R.
Identifiers: ClinVar variation 1910506 (VCV001910506.5), dbSNP rs779528906, ClinGen allele CA1934142.